The following is an entry in ClinVar:

ClinVar aggregate classification (germline): Uncertain significance (1 of 4 stars; one submission).

Allele frequency attached by ClinVar (database versions not stated): gnomAD exomes below 0.00001; TOPMed below 0.00001.
gnomAD v4.1: 4 of 1,610,466 alleles (0.00025%); highest among the groups gnomAD compares: Non-Finnish European, 0.00025%; no homozygotes.

Submission:

Labcorp Genetics (formerly Invitae), Labcorp
Classification: Uncertain significance. Last evaluated: 2023-10-28. Review status: criteria provided, single submitter. Criteria: Invitae Variant Classification Sherloc (09022015). Collection method: clinical testing. Allele origin: germline.
Comment: This sequence change replaces arginine, which is basic and polar, with cysteine, which is neutral and slightly polar, at codon 249 of the PPP2R1A protein (p.Arg249Cys). This variant is not present in population databases (gnomAD no frequency). This variant has not been reported in the literature in individuals affected with PPP2R1A-related conditions. ClinVar contains an entry for this variant (Variation ID: 2001903). Advanced modeling of protein sequence and biophysical properties (such as structural, functional, and spatial information, amino acid conservation, physicochemical variation, residue mobility, and thermodynamic stability) performed at Invitae indicates that this missense variant is not expected to disrupt PPP2R1A protein function with a negative predictive value of 80%. In summary, the available evidence is currently insufficient to determine the role of this variant in disease. Therefore, it has been classified as a Variant of Uncertain Significance.

NM_014225.6(PPP2R1A):c.745C>T (p.Arg249Cys)

Gene: PPP2R1A (protein phosphatase 2 scaffold subunit Aalpha; plus strand). Cytogenetic location: 19q13.41.
Variant type: single nucleotide variant.
Coding change: c.745C>T on transcript NM_014225.6 (MANE Select); coding-DNA position 745, C replaced by T.
Protein change: p.Arg249Cys; replaces arginine 249 with cysteine.
Molecular consequence: missense variant. On other transcripts: non-coding transcript variant (1).
Genome position (GRCh38, 1-based): chr19:52,213,048, C>T. VCF-style: chr19-52213048-C-T. GRCh37 (hg19) VCF-style: chr19-52716301-C-T.
Other names: c.208C>T, p.Arg70Cys (NM_001363656.2); short protein forms R70C, R249C.
Identifiers: ClinVar variation 2001903 (VCV002001903.4), dbSNP rs2089687609, ClinGen allele CA407185303.
Genomic context (GRCh38, chr19:52,213,048, plus strand): 5'-GTGAACATCGCCCAGCTTCTGCCCCAGGAGGATCTGGAGGCCCTGGTGATGCCCACTCTG[C>T]GCCAGGCCGCTGAAGACAAGTCCTGGCGCGTCCGCTACATGGTGGCTGACAAGTTCACAG-3'
Protein context (NP_055040.2, residues 239-259): DLEALVMPTL[Arg249Cys]QAAEDKSWRV